The following is an entry in ClinVar:

NM_177438.3(DICER1):c.5078A>G (p.His1693Arg)

Gene: DICER1 (dicer 1, ribonuclease III; minus strand). Cytogenetic location: 14q32.13.
Variant type: single nucleotide variant.
Coding change: c.5078A>G on transcript NM_177438.3 (MANE Select); coding-DNA position 5078, A replaced by G.
Protein change: p.His1693Arg; replaces histidine 1693 with arginine.
Molecular consequence: missense variant. On other transcripts: non-coding transcript variant (6).
Genome position (GRCh38, 1-based): chr14:95,095,842, T>C on the plus strand (A>G on the coding strand, the complement: DICER1 is on the minus strand). VCF-style: chr14-95095842-T-C. GRCh37 (hg19) VCF-style: chr14-95562179-T-C.
Other names: c.5078A>G, p.His1693Arg (NM_001395682.1, NM_001395683.1, NM_001395684.1 and 13 more transcripts); c.4796A>G, p.His1599Arg (NM_001395686.1); c.4673A>G, p.His1558Arg (NM_001395687.1, NM_001395688.1, NM_001395689.1 and 2 more transcripts); c.4511A>G, p.His1504Arg (NM_001395691.1); c.3395A>G, p.His1132Arg (NM_001395697.1); short protein forms H1132R, H1504R, H1558R, H1599R, H1693R.
Identifiers: ClinVar variation 1715441 (VCV001715441.7), dbSNP rs1359055040, ClinGen allele CA390865924.

ClinVar aggregate classification (germline): Uncertain significance. Review status: criteria provided, multiple submitters, no conflicts (2 of 4 stars). 2 submissions from 2 submitters: Uncertain significance (2). Last evaluated 2024-08-10.

Conditions:
DICER1-related tumor predisposition. Also called: DICER1 syndrome; DICER1-related pleuropulmonary blastoma cancer predisposition syndrome. Identifiers: Orphanet 284343, MedGen C3839822, MONDO:0100216.
Hereditary cancer-predisposing syndrome. Also called: Hereditary neoplastic syndrome; Tumor predisposition; Neoplastic Syndromes, Hereditary; Hereditary Cancer Syndrome. Identifiers: Orphanet 140162, MedGen C0027672, MeSH D009386, MONDO:0015356.

Allele frequency attached by ClinVar (database versions not stated): gnomAD exomes below 0.00001; TOPMed 0.00001.
gnomAD v4.1: 1 of 1,614,108 alleles (0.000062%); highest among the groups gnomAD compares: African/African-American, 0.0013%; no homozygotes.

Submissions (2):

Ambry Genetics
Classification: Uncertain significance for Hereditary cancer-predisposing syndrome. Last evaluated: 2024-08-10. Review status: criteria provided, single submitter. Criteria: Ambry Variant Classification Scheme 2023. Collection method: clinical testing. Allele origin: germline.
Comment: The p.H1693R variant (also known as c.5078A>G), located in coding exon 22 of the DICER1 gene, results from an A to G substitution at nucleotide position 5078. The histidine at codon 1693 is replaced by arginine, an amino acid with highly similar properties. This amino acid position is conserved. In addition, this alteration is predicted to be deleterious by in silico analysis. Based on the available evidence, the clinical significance of this variant remains unclear.

Labcorp Genetics (formerly Invitae), Labcorp
Classification: Uncertain significance for DICER1-related tumor predisposition. Last evaluated: 2024-01-14. Review status: criteria provided, single submitter. Criteria: Invitae Variant Classification Sherloc (09022015). Collection method: clinical testing. Allele origin: germline.
Comment: This sequence change replaces histidine, which is basic and polar, with arginine, which is basic and polar, at codon 1693 of the DICER1 protein (p.His1693Arg). This variant is present in population databases (no rsID available, gnomAD 0.007%). This variant has not been reported in the literature in individuals affected with DICER1-related conditions. ClinVar contains an entry for this variant (Variation ID: 1715441). Advanced modeling of protein sequence and biophysical properties (such as structural, functional, and spatial information, amino acid conservation, physicochemical variation, residue mobility, and thermodynamic stability) has been performed at Invitae for this missense variant, however the output from this modeling did not meet the statistical confidence thresholds required to predict the impact of this variant on DICER1 protein function. In summary, the available evidence is currently insufficient to determine the role of this variant in disease. Therefore, it has been classified as a Variant of Uncertain Significance.